The following is an entry in ClinVar:

ClinVar aggregate classification (germline): Uncertain significance (1 of 4 stars; one submission).

Submission:

Labcorp Genetics (formerly Invitae), Labcorp
Classification: Uncertain significance. Last evaluated: 2020-02-07. Review status: criteria provided, single submitter. Criteria: Invitae Variant Classification Sherloc (09022015). Collection method: clinical testing. Allele origin: germline.
Comment: This sequence change replaces aspartic acid with asparagine at codon 1688 of the SCN3A protein (p.Asp1688Asn). The aspartic acid residue is moderately conserved and there is a small physicochemical difference between aspartic acid and asparagine. This variant is not present in population databases (ExAC no frequency). This variant has not been reported in the literature in individuals with SCN3A-related disease. Algorithms developed to predict the effect of missense changes on protein structure and function are either unavailable or do not agree on the potential impact of this missense change (SIFT: "Tolerated"; PolyPhen-2: "Probably Damaging"; Align-GVGD: "Class C0"). In summary, the available evidence is currently insufficient to determine the role of this variant in disease. Therefore, it has been classified as a Variant of Uncertain Significance.

NM_006922.4(SCN3A):c.5062G>A (p.Asp1688Asn)

Gene: SCN3A (sodium voltage-gated channel alpha subunit 3; minus strand). Cytogenetic location: 2q24.3.
Variant type: single nucleotide variant.
Coding change: c.5062G>A on transcript NM_006922.4 (MANE Select); coding-DNA position 5062, G replaced by A.
Protein change: p.Asp1688Asn; replaces aspartic acid 1688 with asparagine.
Molecular consequence: missense variant.
Genome position (GRCh38, 1-based): chr2:165,091,091, C>T on the plus strand (G>A on the coding strand, the complement: SCN3A is on the minus strand). VCF-style: chr2-165091091-C-T. GRCh37 (hg19) VCF-style: chr2-165947601-C-T.
Other names: c.4915G>A, p.Asp1639Asn (NM_001081676.2, NM_001081677.2); short protein forms D1639N, D1688N.
Identifiers: ClinVar variation 649951 (VCV000649951.8), dbSNP rs182054642, ClinGen allele CA349017414.